The following is an entry in ClinVar:

ClinVar aggregate classification (germline): Uncertain significance (1 of 4 stars; one submission).

Conditions:
Hereditary cancer-predisposing syndrome. Also called: Neoplastic Syndromes, Hereditary; Tumor predisposition; Hereditary neoplastic syndrome; Hereditary Cancer Syndrome. Identifiers: Orphanet 140162, MedGen C0027672, MeSH D009386, MONDO:0015356.

Submission:

Ambry Genetics
Classification: Uncertain significance for Hereditary cancer-predisposing syndrome. Last evaluated: 2022-12-15. Review status: criteria provided, single submitter. Criteria: Ambry Variant Classification Scheme 2023. Collection method: clinical testing. Allele origin: germline.
Comment: The p.F620S variant (also known as c.1859T>C), located in coding exon 9 of the BRCA2 gene, results from a T to C substitution at nucleotide position 1859. The phenylalanine at codon 620 is replaced by serine, an amino acid with highly dissimilar properties. This amino acid position is conserved. In addition, this alteration is predicted to be tolerated by in silico analysis. Since supporting evidence is limited at this time, the clinical significance of this alteration remains unclear.

NM_000059.4(BRCA2):c.1859T>C (p.Phe620Ser)

Gene: BRCA2 (BRCA2 DNA repair associated; plus strand). Cytogenetic location: 13q13.1.
Variant type: single nucleotide variant.
Coding change: c.1859T>C on transcript NM_000059.4 (MANE Select); coding-DNA position 1859, T replaced by C.
Protein change: p.Phe620Ser; replaces phenylalanine 620 with serine.
Molecular consequence: missense variant. On other transcripts: non-coding transcript variant (1), intron variant (1).
Genome position (GRCh38, 1-based): chr13:32,333,337, T>C. VCF-style: chr13-32333337-T-C. GRCh37 (hg19) VCF-style: chr13-32907474-T-C.
Other names: c.1859T>C, p.Phe620Ser (NM_001406719.1, NM_001406720.1, NM_001406721.1); c.424+2307T>C (NM_001406722.1); short protein forms F620S.
Identifiers: ClinVar variation 2451511 (VCV002451511.2), dbSNP rs2137475759, ClinGen allele CA387766446.
Genomic context (GRCh38, chr13:32,333,337, plus strand): 5'-ATAAAGGAAAAAAAATACCGAAAGACCAAAAATCAGAACTAATTAACTGTTCAGCCCAGT[T>C]TGAAGCAAATGCTTTTGAAGCACCACTTACATTTGCAAATGCTGATTCAGGTACCTCTGT-3'
Protein context (NP_000050.3, residues 610-630): KSELINCSAQ[Phe620Ser]EANAFEAPLT